The following is an entry in ClinVar:

NM_032043.3(BRIP1):c.3651G>A (p.Trp1217Ter)

Gene: BRIP1 (BRCA1 interacting DNA helicase 1; minus strand). Cytogenetic location: 17q23.2.
Variant type: single nucleotide variant.
Coding change: c.3651G>A on transcript NM_032043.3 (MANE Select); coding-DNA position 3651, G replaced by A.
Protein change: p.Trp1217Ter; replaces tryptophan 1217 with a stop codon.
Molecular consequence: nonsense.
Genome position (GRCh38, 1-based): chr17:61,683,395, C>T on the plus strand (G>A on the coding strand, the complement: BRIP1 is on the minus strand). VCF-style: chr17-61683395-C-T. GRCh37 (hg19) VCF-style: chr17-59760756-C-T.
Other names: short protein forms W1217*.
Identifiers: ClinVar variation 186726 (VCV000186726.29), dbSNP rs542698396, ClinGen allele CA195671.

ClinVar aggregate classification (germline): Uncertain significance. Review status: criteria provided, multiple submitters, no conflicts (2 of 4 stars). 8 submissions from 8 submitters: Uncertain significance (7). 1 of the submissions does not count toward it. Last evaluated 2025-12-23.

Conditions:
Familial cancer of breast. Also called: BREAST CANCER, FAMILIAL; Hereditary breast cancer; hereditary breast carcinoma. Identifiers: Orphanet 227535, MedGen C0346153, MONDO:0016419, OMIM 114480. Disease mechanism: loss of function.
Ovarian cancer. Also called: OVARIAN CANCER, SOMATIC. Identifiers: Orphanet 213500, MedGen C1140680, MONDO:0008170, OMIM 167000.
Fanconi anemia complementation group J. Also called: BRIP1-Related Fanconi Anemia. Identifiers: Orphanet 84, MedGen C1836860, MONDO:0012187, OMIM 609054.
Hereditary cancer-predisposing syndrome. Also called: Hereditary Cancer Syndrome; Neoplastic Syndromes, Hereditary; Tumor predisposition; Hereditary neoplastic syndrome. Identifiers: Orphanet 140162, MedGen C0027672, MeSH D009386, MONDO:0015356.

Allele frequency attached by ClinVar (database versions not stated): gnomAD 0.00003; ExAC 0.00004.
gnomAD v4.1: 25 of 1,613,158 alleles (0.0015%); highest among the groups gnomAD compares: African/African-American, 0.0053%; no homozygotes.

Submissions (8):

Labcorp Genetics (formerly Invitae), Labcorp
Classification: Uncertain significance for Familial cancer of breast; Fanconi anemia complementation group J. Last evaluated: 2025-12-23. Review status: criteria provided, single submitter. Criteria: Invitae Variant Classification Sherloc (09022015). Collection method: clinical testing. Allele origin: germline.
Comment: This sequence change creates a premature translational stop signal (p.Trp1217*) in the BRIP1 gene. While this is not anticipated to result in nonsense mediated decay, it is expected to disrupt the last 33 amino acid(s) of the BRIP1 protein. This variant is present in population databases (rs542698396, gnomAD 0.004%). This variant has not been reported in the literature in individuals affected with BRIP1-related conditions. ClinVar contains an entry for this variant (Variation ID: 186726). Experimental studies and prediction algorithms are not available or were not evaluated, and the functional significance of this variant is currently unknown. In summary, the available evidence is currently insufficient to determine the role of this variant in disease. Therefore, it has been classified as a Variant of Uncertain Significance.

Ambry Genetics
Classification: Uncertain significance for Hereditary cancer-predisposing syndrome. Last evaluated: 2025-10-17. Review status: criteria provided, single submitter. Criteria: Ambry Variant Classification Scheme 2023. Collection method: clinical testing. Allele origin: germline.
Comment: The p.W1217* variant (also known as c.3651G>A) located in coding exon 19 of the BRIP1 gene, results from a G to A substitution at nucleotide position 3651. This changes the amino acid from a tryptophan to a stop codon within coding exon 19. This alteration occurs at the 3' terminus of theBRIP1 gene, is not expected to trigger nonsense-mediated mRNAdecay, and only impacts the last 3% of the protein. The exact functional impact of these removed amino acids is unknown at this time; however, structural and functional studies suggest that at least two residues contained in this deleted region (Ser1237 and Lys1249) have functional importance (Olsen JV et al. Sci Signal. 2010 Jan;3:ra3; Xie J et al. PLoS Genet. 2012 Ju;8:e1002786). Based on the available evidence, the clinical significance of this variant remains unclear.

Center for Genomic Medicine, Rigshospitalet, Copenhagen University Hospital
Classification: Uncertain significance. Last evaluated: 2025-03-04. Review status: criteria provided, single submitter. Criteria: ACMG Guidelines, 2015. Collection method: clinical testing. Allele origin: germline.

Color Diagnostics, LLC DBA Color Health
Classification: Uncertain significance for Hereditary cancer-predisposing syndrome. Last evaluated: 2024-03-11. Review status: criteria provided, single submitter. Criteria: ACMG Guidelines, 2015. Collection method: clinical testing. Allele origin: germline.
Comment: This variant changes 1 nucleotide in exon 20 of the BRIP1 gene, creating a premature translation stop signal in the last coding exon. This mutant transcript is predicted to escape nonsense-mediated decay and be expressed as a truncated protein. This variant has been reported in an individual affected with prostate cancer (PMID: 33804961). This variant has been identified in 5/282186 chromosomes in the general population by the Genome Aggregation Database (gnomAD). The available evidence is insufficient to determine the role of this variant in disease conclusively. Therefore, this variant is classified as a Variant of Uncertain Significance.

Baylor Genetics
Classification: Uncertain significance for Familial cancer of breast. Last evaluated: 2024-02-07. Review status: criteria provided, single submitter. Criteria: ACMG Guidelines, 2015. Collection method: clinical testing. Allele origin: unknown.

GeneDx
Classification: Uncertain significance. Last evaluated: 2023-12-14. Review status: criteria provided, single submitter. Criteria: GeneDx Variant Classification Process June 2021. Collection method: clinical testing. Allele origin: germline. Affected: yes.
Comment: Nonsense variant predicted to result in protein truncation as the last 33 amino acids are lost, although loss-of-function variants have not been reported downstream of this position in the protein; Not observed at significant frequency in large population cohorts (gnomAD); This variant is associated with the following publications: (PMID: 27458550, 26689913, 33804961, 26921362, 29368626)

Women's Health and Genetics/Laboratory Corporation of America, LabCorp
Classification: Uncertain significance. Last evaluated: 2022-03-29. Review status: criteria provided, single submitter. Criteria: LabCorp Variant Classification Summary - May 2015. Collection method: clinical testing. Allele origin: germline.
Comment: Variant summary: BRIP1 c.3651G>A (p.Trp1217X) located in the last exon results in a premature termination codon, predicted to cause a truncation of the last 33 amino acids of the encoded protein or absence of the protein due to nonsense mediated decay, which are commonly known mechanisms for disease. Truncations downstream of this position have not been observed at our laboratory. The variant allele was found at a frequency of 1.9e-05 in 261294 control chromosomes. The available data on variant occurrences in the general population are insufficient to allow any conclusion about variant significance. c.3651G>A has been reported in the literature as a germline VUS variant in cases of men with aggressive prostate cancer undergoing multigene panel testing (example, Nguyen-Dumont_2021), in settings of multigene panel testing in a case of chronic eosinophlic leukemia with novel t(5;12) (q23;31;p13)/ETV6-ACSL6 gene fusion, in which patient was resistant to TKI therapy (example, Su_2016), in a glioblastoma tumor type within The Cancer Genome Atlas (TGCA) collection (example, Lu_2015), in control cohorts from the ExAC database (example, Weber-Lassalle_2018), and an other UK control cohort (example, Easton_2016). These report(s) do not provide unequivocal conclusions about association of the variant with Hereditary Breast And Ovarian Cancer Syndrome. To our knowledge, no experimental evidence demonstrating an impact on protein function has been reported. Five clinical diagnostic laboratories have submitted clinical-significance assessments for this variant to ClinVar after 2014 without evidence for independent evaluation. All laboratories classified the variant as uncertain significance. Based on the evidence outlined above, the variant was classified as uncertain significance.

Counsyl
Classification: Uncertain significance for Fanconi anemia complementation group J; Ovarian cancer. Last evaluated: 2017-11-02. Review status: no assertion criteria provided. Collection method: clinical testing. Allele origin: unknown. Not counted in ClinVar's aggregate classification.

Literature cited by the submitters: PubMed 20068231 (cited by Ambry Genetics); PubMed 22792074 (cited by Ambry Genetics); PubMed 26921362 (cited by 4 submitters); PubMed 26589913 (cited by Center for Genomic Medicine, Rigshospitalet, Copenhagen University Hospital); PubMed 33804951 (cited by Center for Genomic Medicine, Rigshospitalet, Copenhagen University Hospital); PubMed 33804961 (cited by Color Diagnostics, LLC DBA Color Health and Women's Health and Genetics/Laboratory Corporation of America, LabCorp); PubMed 26689913 (cited by Women's Health and Genetics/Laboratory Corporation of America, LabCorp and Counsyl); PubMed 27458550 (cited by Women's Health and Genetics/Laboratory Corporation of America, LabCorp); PubMed 29368626 (cited by Women's Health and Genetics/Laboratory Corporation of America, LabCorp); PubMed 26976419 (cited by Counsyl).